The following is an entry in ClinVar:

ClinVar aggregate classification (germline): Likely benign (1 of 4 stars; one submission).

gnomAD v4.1: 67 of 594,900 alleles (0.011%); highest among the groups gnomAD compares: Middle Eastern, 0.13%; no homozygotes.

Submission:

CeGaT Center for Human Genetics Tuebingen
Classification: Likely benign. Last evaluated: 2026-08-01. Review status: criteria provided, single submitter. Criteria: CeGaT Center For Human Genetics Tuebingen Variant Classification Criteria Version 2. Collection method: clinical testing. Allele origin: germline. Affected: yes. Observed: 1 variant allele.
Comment: AR: BS2

NM_000044.6(AR):c.176A>T (p.Gln59Leu)

Genes: AR (androgen receptor; plus strand), LOC109504725 (androgen receptor repeat instability region; plus strand). Cytogenetic location: Xq12.
Variant type: single nucleotide variant.
Coding change: c.176A>T on transcript NM_000044.6 (MANE Select); coding-DNA position 176, A replaced by T.
Protein change: p.Gln59Leu; replaces glutamine 59 with leucine.
Molecular consequence: missense variant. On other transcripts: 5 prime UTR variant (1).
Genome position (GRCh38, 1-based): chrX:67,545,322, A>T. VCF-style: chrX-67545322-A-T. GRCh37 (hg19) VCF-style: chrX-66765164-A-T.
Other names: c.-1608A>T (NM_001011645.3); c.176A>T, p.Gln59Leu (NM_001348061.1, NM_001348063.1, NM_001348064.1); short protein forms Q59L.
Identifiers: ClinVar variation 5038534 (VCV005038534.1).